The following is an entry in ClinVar:

ClinVar aggregate classification (germline): Conflicting classifications of pathogenicity. Review status: criteria provided, conflicting classifications (1 of 4 stars). 2 submissions from 2 submitters: Likely pathogenic (1); Uncertain significance (1). Last evaluated 2025-05-19.

Conditions:
Dilated cardiomyopathy 1G (CMD1G). Identifiers: Orphanet 154, MedGen C1858763, MONDO:0011400, OMIM 604145.
Autosomal recessive limb-girdle muscular dystrophy type 2J (LGMDR10). Also called: MUSCULAR DYSTROPHY, LIMB-GIRDLE, AUTOSOMAL RECESSIVE 10; Limb-girdle muscular dystrophy, type 2J. Identifiers: Orphanet 140922, MedGen C1837342, MONDO:0012127, OMIM 608807.

Submissions (2):

Revvity Omics, Revvity
Classification: Uncertain significance. Last evaluated: 2025-05-19. Review status: criteria provided, single submitter. Criteria: ACMG Guidelines, 2015. Collection method: clinical testing. Allele origin: germline.

Labcorp Genetics (formerly Invitae), Labcorp
Classification: Likely pathogenic for Dilated cardiomyopathy 1G; Autosomal recessive limb-girdle muscular dystrophy type 2J. Last evaluated: 2024-01-31. Review status: criteria provided, single submitter. Criteria: Invitae Variant Classification Sherloc (09022015). Collection method: clinical testing. Allele origin: germline.
Comment: This sequence change creates a premature translational stop signal (p.Val6570Glufs*18) in the TTN gene. While this is not anticipated to result in nonsense mediated decay, it is expected to create a truncated TTN protein. This variant is not present in population databases (gnomAD no frequency). This variant has not been reported in the literature in individuals affected with TTN-related conditions. ClinVar contains an entry for this variant (Variation ID: 2438402). This variant is located in the I band of TTN (PMID: 25589632). Truncating variants in this region have been reported in individuals affected with autosomal recessive centronuclear myopathy (PMID: 23975875, Invitae internal data). Truncating variants in this region have also been identified in individuals affected with autosomal dominant dilated cardiomyopathy and/or cardio-related conditions (PMID: 27869827, 32964742, Invitae internal data). In summary, the currently available evidence indicates that the variant is pathogenic, but additional data are needed to prove that conclusively. Therefore, this variant has been classified as Likely Pathogenic.

Literature cited by the submitters: PubMed 25589632 (cited by Labcorp Genetics (formerly Invitae), Labcorp); PubMed 23975875 (cited by Labcorp Genetics (formerly Invitae), Labcorp); PubMed 27869827 (cited by Labcorp Genetics (formerly Invitae), Labcorp); PubMed 32964742 (cited by Labcorp Genetics (formerly Invitae), Labcorp).

NM_001267550.2(TTN):c.19709_19710del (p.Val6570fs)

Gene: TTN (titin; minus strand). Cytogenetic location: 2q31.2.
Variant type: Microsatellite.
Coding change: c.19709_19710del on transcript NM_001267550.2 (MANE Select); coding-DNA positions 19709 to 19710, 2 bases deleted (TG; older notation c.19709_19710delTG).
Protein change: p.Val6570fs; shifts the reading frame from valine 6570.
Molecular consequence: frameshift variant. On other transcripts: intron variant (3).
Genome position (GRCh38, 1-based): chr2:178,728,114-178,728,115, CA deleted on the plus strand (TG on the coding strand, the reverse complement: TTN is on the minus strand); deleting any 2 consecutive bases within chr2:178,728,114-178,728,117 gives the same sequence; the c. name uses the placement nearest the transcript's 3' end. VCF-style (leftmost placement, unchanged base first): chr2-178728113-TCA-T. GRCh37 (hg19) VCF-style: chr2-179592840-TCA-T.
Other names: c.18758_18759del, p.Val6253fs (NM_001256850.1); c.15977_15978del, p.Val5326fs (NM_133378.4); c.13282+9967_13282+9968del (NM_003319.4); c.13858+9967_13858+9968del (NM_133437.4); c.13657+9967_13657+9968del (NM_133432.3); short protein forms V5326fs, V6253fs, V6570fs.
Identifiers: ClinVar variation 2438402 (VCV002438402.6), dbSNP rs2529840041, ClinGen allele CA2577201152.